The following is an entry in ClinVar:

ClinVar aggregate classification (germline): Uncertain significance (1 of 4 stars; one submission).

Conditions:
Treacher Collins syndrome 1 (TCS1). Also called: TCOF1-Related Treacher Collins Syndrome. Identifiers: Orphanet 861, MedGen CN315775, MONDO:0007944, OMIM 154500.

Allele frequency attached by ClinVar (database versions not stated): ExAC 0.00001; gnomAD 0.00001; gnomAD exomes 0.00001; TOPMed 0.00001.
gnomAD v4.1: 20 of 1,611,780 alleles (0.0012%); highest among the groups gnomAD compares: Admixed American, 0.0034%; no homozygotes.

Submission:

Labcorp Genetics (formerly Invitae), Labcorp
Classification: Uncertain significance for Treacher Collins syndrome 1. Last evaluated: 2025-03-03. Review status: criteria provided, single submitter. Criteria: Invitae Variant Classification Sherloc (09022015). Collection method: clinical testing. Allele origin: germline.
Comment: This sequence change replaces serine, which is neutral and polar, with leucine, which is neutral and non-polar, at codon 417 of the TCOF1 protein (p.Ser417Leu). This variant is present in population databases (rs763712981, gnomAD 0.004%). This variant has not been reported in the literature in individuals affected with TCOF1-related conditions. ClinVar contains an entry for this variant (Variation ID: 2108121). Invitae Evidence Modeling of protein sequence and biophysical properties (such as structural, functional, and spatial information, amino acid conservation, physicochemical variation, residue mobility, and thermodynamic stability) indicates that this missense variant is not expected to disrupt TCOF1 protein function with a negative predictive value of 80%. In summary, the available evidence is currently insufficient to determine the role of this variant in disease. Therefore, it has been classified as a Variant of Uncertain Significance.

NM_001371623.1(TCOF1):c.1250C>T (p.Ser417Leu)

Gene: TCOF1 (treacle ribosome biogenesis factor 1; plus strand). Cytogenetic location: 5q32.
Variant type: single nucleotide variant.
Coding change: c.1250C>T on transcript NM_001371623.1 (MANE Select); coding-DNA position 1250, C replaced by T.
Protein change: p.Ser417Leu; replaces serine 417 with leucine.
Molecular consequence: missense variant.
Genome position (GRCh38, 1-based): chr5:150,374,783, C>T. VCF-style: chr5-150374783-C-T. GRCh37 (hg19) VCF-style: chr5-149754346-C-T.
Other names: c.1019C>T, p.Ser340Leu (NM_000356.4, NM_001135245.2); c.1250C>T, p.Ser417Leu (NM_001008657.3, NM_001135243.2, NM_001135244.2 and 1 more transcripts); short protein forms S417L, S340L.
Identifiers: ClinVar variation 2108121 (VCV002108121.4), dbSNP rs763712981, ClinGen allele CA3510800.